The following is an entry in ClinVar:

ClinVar aggregate classification (germline): Likely benign. Review status: criteria provided, multiple submitters, no conflicts (2 of 4 stars). 2 submissions from 2 submitters: Likely benign (2). Last evaluated 2025-10-02.

Conditions:
Age related macular degeneration 4. Identifiers: MedGen C1853147, MONDO:0012540, OMIM 610698.
Atypical hemolytic-uremic syndrome. Identifiers: Orphanet 2134, MedGen C2931788, MONDO:0016244.
Basal laminar drusen. Also called: DRUSEN OF BRUCH MEMBRANE; DRUSEN, CUTICULAR; DRUSEN, EARLY ADULT-ONSET, GROUPED. Identifiers: Orphanet 75376, MedGen C0730295, MONDO:0007472, OMIM 126700.
Factor H deficiency (CFHD). Also called: COMPLEMENT FACTOR H DEFICIENCY; CFH DEFICIENCY. Identifiers: Orphanet 200421, MedGen C0398777, MONDO:0012350, OMIM 609814.

Allele frequency attached by ClinVar (database versions not stated): gnomAD 0.00001.
gnomAD v4.1: 5 of 1,613,170 alleles (0.00031%); highest among the groups gnomAD compares: South Asian, 0.0011%; no homozygotes.

Submissions (2):

Genomenon, Inc
Classification: Likely benign for Basal laminar drusen; Age related macular degeneration 4; Atypical hemolytic-uremic syndrome; Factor H deficiency. Last evaluated: 2025-10-02. Review status: criteria provided, single submitter. Criteria: Genomenon Sequence Variant Interpretation Standards - Updated. Collection method: curation. Allele origin: germline. Affected: no.
Comment: CFH p.Asp187= (c.561T>C) is a synonymous variant that retains Aspartic acid at residue 187. This variant has been reported in the published literature (PMID:36211394). This synonymous variant is not predicted to impact splicing. It is absent or not present at a significant frequency in gnomAD. In conclusion, we classify CFH p.Asp187= (c.561T>C) as a likely benign variant.

CeGaT Center for Human Genetics Tuebingen
Classification: Likely benign. Last evaluated: 2024-01-01. Review status: criteria provided, single submitter. Criteria: CeGaT Center For Human Genetics Tuebingen Variant Classification Criteria Version 2. Collection method: clinical testing. Allele origin: germline. Affected: yes. Observed: 1 variant allele.
Comment: CFH: BP4, BP7

Literature cited by the submitters: PubMed 36211394 (cited by Genomenon, Inc).

NM_000186.4(CFH):c.561T>C (p.Asp187=)

Gene: CFH (complement factor H; plus strand). Cytogenetic location: 1q31.3.
Variant type: single nucleotide variant.
Coding change: c.561T>C on transcript NM_000186.4 (MANE Select); coding-DNA position 561, T replaced by C.
Protein change: p.Asp187=; no amino-acid change (aspartic acid 187 retained).
Molecular consequence: synonymous variant.
Genome position (GRCh38, 1-based): chr1:196,677,609, T>C. VCF-style: chr1-196677609-T-C. GRCh37 (hg19) VCF-style: chr1-196646739-T-C.
Other names: c.561T>C, p.Asp187= (NM_001014975.3).
Identifiers: ClinVar variation 3026262 (VCV003026262.22), dbSNP rs1204792588, ClinGen allele CA422661630.